The following is an entry in ClinVar:

NM_013382.7(POMT2):c.2165C>G (p.Pro722Arg)

Gene: POMT2 (protein O-mannosyltransferase 2; minus strand). Cytogenetic location: 14q24.3.
Variant type: single nucleotide variant.
Coding change: c.2165C>G on transcript NM_013382.7 (MANE Select); coding-DNA position 2165, C replaced by G.
Protein change: p.Pro722Arg; replaces proline 722 with arginine.
Molecular consequence: missense variant.
Genome position (GRCh38, 1-based): chr14:77,277,464, G>C on the plus strand (C>G on the coding strand, the complement: POMT2 is on the minus strand). VCF-style: chr14-77277464-G-C. GRCh37 (hg19) VCF-style: chr14-77743807-G-C.
Other names: short protein forms P722R.
Identifiers: ClinVar variation 5018693 (VCV005018693.2).
Genomic context (GRCh38, chr14:77,277,464, plus strand): 5'-AGTCCTGCCATTGGACTTTGGGGGTCCTGGGCCAGGGGACCAACCATCCCGTAAGCCAGA[G>C]GGTGGAAGAGGTAGAAGCTGTGAGAGAGAACCAGTAGGAGGCAGTTGGCACCCCCAGTGC-3'
Protein context (NP_037514.2, residues 712-732): GTAYSFYLFH[Pro722Arg]LAYGMVGPLA

ClinVar aggregate classification (germline): Uncertain significance (1 of 4 stars; one submission).

Conditions:
Muscular dystrophy-dystroglycanopathy (congenital with brain and eye anomalies), type A2. Also called: MUSCULAR DYSTROPHY-DYSTROGLYCANOPATHY (CONGENITAL WITH BRAIN AND EYE ANOMALIES), TYPE A, 2; WALKER-WARBURG SYNDROME OR MUSCLE-EYE-BRAIN DISEASE, POMT2-RELATED. Identifiers: Orphanet 588, Orphanet 899, MedGen C3150411, MONDO:0013154, OMIM 613150.
Muscular dystrophy-dystroglycanopathy (congenital with impaired intellectual development), type B, 2. Also called: MUSCULAR DYSTROPHY, CONGENITAL, POMT2-RELATED; Muscular dystrophy-dystroglycanopathy (congenital with intellectual disability), type B2. Identifiers: MedGen C3150416, MONDO:0013160, OMIM 613156.
Autosomal recessive limb-girdle muscular dystrophy type 2N. Also called: MUSCULAR DYSTROPHY-DYSTROGLYCANOPATHY, LIMB-GIRDLE, POMT2-RELATED; Muscular dystrophy-dystroglycanopathy (limb-girdle), type C, 2. Identifiers: Orphanet 206559, MedGen C3150418, MONDO:0013162, OMIM 613158.

gnomAD v4.1: 1 of 1,613,430 alleles (0.000062%); no homozygotes.

Submission:

Juno Genomics, Hangzhou Juno Genomics, Inc
Classification: Uncertain significance for Muscular dystrophy-dystroglycanopathy (congenital with impaired intellectual development), type B, 2; Muscular dystrophy-dystroglycanopathy (congenital with brain and eye anomalies), type A2; Autosomal recessive limb-girdle muscular dystrophy type 2N. Review status: criteria provided, single submitter. Criteria: ACMG Guidelines, 2015. Collection method: clinical testing. Allele origin: germline.
Comment: Absent from controls (or at extremely low frequency if recessive) in Genome Aggregation Database.;Multiple lines of computational evidence support a deleterious effect on the gene or gene product.